The following is an entry in ClinVar:

NM_182961.4(SYNE1):c.1254G>T (p.Leu418=)

Gene: SYNE1 (spectrin repeat containing nuclear envelope protein 1; minus strand). Cytogenetic location: 6q25.2.
Variant type: single nucleotide variant.
Coding change: c.1254G>T on transcript NM_182961.4 (MANE Select); coding-DNA position 1254, G replaced by T.
Protein change: p.Leu418=; no amino-acid change (leucine 418 retained).
Molecular consequence: synonymous variant.
Genome position (GRCh38, 1-based): chr6:152,483,181, C>A on the plus strand (G>T on the coding strand, the complement: SYNE1 is on the minus strand). VCF-style: chr6-152483181-C-A. GRCh37 (hg19) VCF-style: chr6-152804316-C-A.
Other names: c.1275G>T, p.Leu425= (NM_033071.5).
Identifiers: ClinVar variation 386191 (VCV000386191.5), dbSNP rs777939640, ClinGen allele CA4059477.

ClinVar aggregate classification (germline): Likely benign. Review status: criteria provided, multiple submitters, no conflicts (2 of 4 stars). 2 submissions from 2 submitters: Likely benign (2). Last evaluated 2022-03-04.

Conditions:
Emery-Dreifuss muscular dystrophy 4, autosomal dominant (EDMD4). Also called: EMERY-DREIFUSS MUSCULAR DYSTROPHY 4 WITH VARIABLE FEATURES. Identifiers: Orphanet 261, MedGen C2751807, MONDO:0013071, OMIM 612998.
Autosomal recessive ataxia, Beauce type. Also called: ATAXIA, RECESSIVE, OF BEAUCE; SYNE1-Related Autosomal Recessive Cerebellar Ataxia; Spinocerebellar ataxia, autosomal recessive 8; SYNE1 Deficiency. Identifiers: Orphanet 88644, MedGen C1853116, MONDO:0012549, OMIM 610743.

Allele frequency attached by ClinVar (database versions not stated): ExAC 0.00001; TOPMed 0.00001.
gnomAD v4.1: 4 of 1,614,170 alleles (0.00025%); highest among the groups gnomAD compares: East Asian, 0.0089%; no homozygotes.

Submissions (2):

Labcorp Genetics (formerly Invitae), Labcorp
Classification: Likely benign for Emery-Dreifuss muscular dystrophy 4, autosomal dominant; Autosomal recessive ataxia, Beauce type. Last evaluated: 2022-03-04. Review status: criteria provided, single submitter. Criteria: Invitae Variant Classification Sherloc (09022015). Collection method: clinical testing. Allele origin: germline.

GeneDx
Classification: Likely benign. Last evaluated: 2016-05-24. Review status: criteria provided, single submitter. Criteria: GeneDx Variant Classification (06012015). Collection method: clinical testing. Allele origin: germline. Affected: yes.
Comment: This variant is considered likely benign or benign based on one or more of the following criteria: it is a conservative change, it occurs at a poorly conserved position in the protein, it is predicted to be benign by multiple in silico algorithms, and/or has population frequency not consistent with disease.